The following is an entry in ClinVar:

ClinVar aggregate classification (germline): Uncertain significance. Review status: criteria provided, multiple submitters, no conflicts (2 of 4 stars). 4 submissions from 4 submitters: Uncertain significance (3). 1 of the submissions does not count toward it. Last evaluated 2025-10-01.

Conditions:
Hereditary cancer-predisposing syndrome. Also called: Tumor predisposition; Hereditary Cancer Syndrome; Hereditary neoplastic syndrome; Neoplastic Syndromes, Hereditary. Identifiers: Orphanet 140162, MedGen C0027672, MeSH D009386, MONDO:0015356.
Familial cancer of breast. Also called: BREAST CANCER, FAMILIAL; Hereditary breast cancer; hereditary breast carcinoma. Identifiers: Orphanet 227535, MedGen C0346153, MONDO:0016419, OMIM 114480. Disease mechanism: loss of function.

Allele frequency attached by ClinVar (database versions not stated): gnomAD exomes below 0.00001.

Submissions (4):

Labcorp Genetics (formerly Invitae), Labcorp
Classification: Uncertain significance for Familial cancer of breast. Last evaluated: 2025-10-01. Review status: criteria provided, single submitter. Criteria: Invitae Variant Classification Sherloc (09022015). Collection method: clinical testing. Allele origin: germline.
Comment: This sequence change replaces glutamine, which is neutral and polar, with histidine, which is basic and polar, at codon 439 of the CHEK2 protein (p.Gln439His). This variant is present in population databases (no rsID available, gnomAD 0.003%). This variant has not been reported in the literature in individuals affected with CHEK2-related conditions. ClinVar contains an entry for this variant (Variation ID: 410006). An algorithm developed to predict the effect of missense changes on protein structure and function (PolyPhen-2) suggests that this variant is likely to be disruptive. In summary, the available evidence is currently insufficient to determine the role of this variant in disease. Therefore, it has been classified as a Variant of Uncertain Significance.

Myriad Genetics, Inc.
Classification: Uncertain significance for Familial cancer of breast. Last evaluated: 2023-03-08. Review status: criteria provided, single submitter. Criteria: Myriad Autosomal Dominant, Autosomal Recessive and X-Linked Classification Criteria (2023). Collection method: clinical testing. Allele origin: unknown.
Comment: This variant is classified as a variant of uncertain significance as there is insufficient evidence to determine its impact on protein function and/or cancer risk.

Ambry Genetics
Classification: Uncertain significance for Hereditary cancer-predisposing syndrome. Last evaluated: 2022-12-17. Review status: criteria provided, single submitter. Criteria: Ambry Variant Classification Scheme 2023. Collection method: clinical testing. Allele origin: germline.
Comment: The p.Q439H variant (also known as c.1317G>C), located in coding exon 11 of the CHEK2 gene, results from a G to C substitution at nucleotide position 1317. The glutamine at codon 439 is replaced by histidine, an amino acid with highly similar properties. This variant was not reported in population based cohorts in the following databases: Database of Single Nucleotide Polymorphisms (dbSNP), NHLBI Exome Sequencing Project (ESP), and 1000 Genomes Project. In the ESP, this variant was not observed in 6503 samples (13006 alleles) with coverage at this position. To date, this alteration has been detected with an allele frequency of approximately 0.001% (greater than 130000 alleles tested) in our clinical cohort. This amino acid position is highly conserved in available vertebrate species. In addition, this alteration is predicted to be deleterious by in silico analysis. Since supporting evidence is limited at this time, the clinical significance of this alteration remains unclear.

Counsyl
Classification: Uncertain significance for Familial cancer of breast. Last evaluated: 2017-03-28. Review status: no assertion criteria provided. Collection method: clinical testing. Allele origin: unknown. Not counted in ClinVar's aggregate classification.

NM_007194.4(CHEK2):c.1317G>C (p.Gln439His)

Gene: CHEK2 (checkpoint kinase 2; minus strand). Cytogenetic location: 22q12.1.
Variant type: single nucleotide variant.
Coding change: c.1317G>C on transcript NM_007194.4 (MANE Select); coding-DNA position 1317, G replaced by C.
Protein change: p.Gln439His; replaces glutamine 439 with histidine.
Molecular consequence: missense variant.
Genome position (GRCh38, 1-based): chr22:28,695,185, C>G on the plus strand (G>C on the coding strand, the complement: CHEK2 is on the minus strand). VCF-style: chr22-28695185-C-G. GRCh37 (hg19) VCF-style: chr22-29091173-C-G.
Other names: c.1446G>C, p.Gln482His (NM_001005735.3); c.654G>C, p.Gln218His (NM_001257387.3); c.1116G>C, p.Gln372His (NM_001349956.3); c.1230G>C, p.Gln410His (NM_145862.3); short protein forms Q439H, Q218H, Q372H, Q410H, Q482H.
Identifiers: ClinVar variation 410006 (VCV000410006.16), dbSNP rs878854915, ClinGen allele CA16616551.